The following is an entry in ClinVar:

ClinVar aggregate classification (germline): Uncertain significance. Review status: criteria provided, multiple submitters, no conflicts (2 of 4 stars). 3 submissions from 3 submitters: Uncertain significance (2). 1 of the submissions does not count toward it. Last evaluated 2023-11-13.

Conditions:
Retinitis pigmentosa 51 (RP51). Identifiers: Orphanet 791, MedGen C3150715, MONDO:0013274, OMIM 613464.
Bardet-Biedl syndrome 8 (BBS8). Identifiers: Orphanet 110, MedGen C1859566, MONDO:0014436, OMIM 615985.
Bardet-Biedl syndrome (BBS). Identifiers: Orphanet 110, MedGen C0752166, MONDO:0015229.
TTC8-related disorder. Also called: TTC8-related condition.

Allele frequency attached by ClinVar (database versions not stated): gnomAD 0.00001; gnomAD exomes 0.00001; TOPMed 0.00001; ESP Exome Variant Server 0.00008.
gnomAD v4.1: 12 of 1,612,652 alleles (0.00074%); highest among the groups gnomAD compares: African/African-American, 0.0013%; no homozygotes.

Submissions (3):

Labcorp Genetics (formerly Invitae), Labcorp
Classification: Uncertain significance for Bardet-Biedl syndrome. Last evaluated: 2023-11-13. Review status: criteria provided, single submitter. Criteria: Invitae Variant Classification Sherloc (09022015). Collection method: clinical testing. Allele origin: germline.
Comment: This sequence change replaces histidine, which is basic and polar, with tyrosine, which is neutral and polar, at codon 458 of the TTC8 protein (p.His458Tyr). This variant is present in population databases (rs148602884, gnomAD 0.007%). This variant has not been reported in the literature in individuals affected with TTC8-related conditions. ClinVar contains an entry for this variant (Variation ID: 1505027). Advanced modeling of protein sequence and biophysical properties (such as structural, functional, and spatial information, amino acid conservation, physicochemical variation, residue mobility, and thermodynamic stability) performed at Invitae indicates that this missense variant is not expected to disrupt TTC8 protein function with a negative predictive value of 80%. In summary, the available evidence is currently insufficient to determine the role of this variant in disease. Therefore, it has been classified as a Variant of Uncertain Significance.

Fulgent Genetics
Classification: Uncertain significance for Retinitis pigmentosa 51; Bardet-Biedl syndrome 8. Last evaluated: 2022-02-09. Review status: criteria provided, single submitter. Criteria: ACMG Guidelines, 2015. Collection method: clinical testing. Allele origin: unknown.

PreventionGenetics, part of Exact Sciences
Classification: Uncertain significance for TTC8-related condition. Last evaluated: 2024-08-10. Review status: no assertion criteria provided. Collection method: clinical testing. Allele origin: germline. Not counted in ClinVar's aggregate classification.
Comment: The TTC8 c.1402C>T variant is predicted to result in the amino acid substitution p.His468Tyr. To our knowledge, this variant has not been reported in the literature. This variant is reported in 0.0062% of alleles in individuals of African descent in gnomAD. At this time, the clinical significance of this variant is uncertain due to the absence of conclusive functional and genetic evidence.

NM_144596.4(TTC8):c.1402C>T (p.His468Tyr)

Gene: TTC8 (tetratricopeptide repeat domain 8; plus strand). Cytogenetic location: 14q31.3.
Variant type: single nucleotide variant.
Coding change: c.1402C>T on transcript NM_144596.4 (MANE Select); coding-DNA position 1402, C replaced by T.
Protein change: p.His468Tyr; replaces histidine 468 with tyrosine.
Molecular consequence: missense variant. On other transcripts: non-coding transcript variant (1), intron variant (2).
Genome position (GRCh38, 1-based): chr14:88,875,080, C>T. VCF-style: chr14-88875080-C-T. GRCh37 (hg19) VCF-style: chr14-89341424-C-T.
Other names: c.1450C>T, p.His484Tyr (NM_001288781.1); c.808C>T, p.His270Tyr (NM_001288782.1); c.685C>T, p.His229Tyr (NM_001288783.1); c.1372C>T, p.His458Tyr (NM_198309.3); c.1282C>T, p.His428Tyr (NM_198310.3); c.1318-2214C>T (NM_001366535.2); c.1228-2214C>T (NM_001366536.2); c.1402C>T (NM_144596.3); short protein forms H270Y, H428Y, H468Y, H229Y, H458Y, H484Y.
Identifiers: ClinVar variation 1505027 (VCV001505027.8), dbSNP rs148602884, ClinGen allele CA264574900.